The following is an entry in ClinVar:

NC_000019.10:g.(1207204_1218416)_(1219414_1220372)del

Gene: STK11 (serine/threonine kinase 11; plus strand). Cytogenetic location: 19p13.3.
Variant type: Deletion.
Identifiers: ClinVar variation 982008 (VCV000982008.2).

ClinVar aggregate classification (germline): Pathogenic (1 of 4 stars; one submission).

Conditions:
Peutz-Jeghers syndrome (PJS). Also called: Peutz-Jeghers polyposis; Periorificial lentiginosis syndrome; POLYPOSIS, HAMARTOMATOUS INTESTINAL; POLYPS-AND-SPOTS SYNDROME. Identifiers: Orphanet 2869, MedGen C0031269, MeSH D010580, MONDO:0008280, OMIM 175200.

Submission:

Women's Health and Genetics/Laboratory Corporation of America, LabCorp
Classification: Pathogenic for Peutz-Jeghers syndrome. Last evaluated: 2025-03-07. Review status: criteria provided, single submitter. Criteria: LabCorp Variant Classification Summary - May 2015. Collection method: clinical testing. Allele origin: germline.
Comment: Variant summary: The variant identified by MLPA or other technology involves the deletion of exons 2-3 in the STK11 gene. A presumed nomenclature of c.(290+1_291-1)_(464+1_465-1)del has been designated for the purposes of this classification. Although exact breakpoints of this deletion are not known, it is expected to result in a large in-frame deletion in the STK11 gene, a known mechanism of disease. The variant was absent in 21676 control chromosomes (gnomAD SVs database). c.(290+1_291-1)_(464+1_465-1)del has been reported in the literature in multiple individuals affected with Peutz-Jeghers Syndrome (Aradhya_2012, DeRosa_2010, Zhao_2019, Zhao_2019, Papp_2010), including at least one specified de novo case (Zhao_2019). The following publications have been ascertained in the context of this evaluation (PMID: 22382802, 20435009, 21118512, 30334930). ClinVar contains an entry for this variant (Variation ID: 417315). Based on the evidence outlined above, the variant was classified as pathogenic.

Literature cited by the submitters: PubMed 22382802; PubMed 20435009; PubMed 21118512; PubMed 30334930.